The following is an entry in ClinVar:

ClinVar aggregate classification (germline): Conflicting classifications of pathogenicity. Review status: criteria provided, conflicting classifications (1 of 4 stars). 3 submissions from 3 submitters: Uncertain significance (2); Likely benign (1). Last evaluated 2026-04-24.

Conditions:
Inborn genetic diseases. Identifiers: MedGen C0950123, MeSH D030342.
MBD4-related disorder. Also called: MBD4-related condition.

gnomAD v4.1: 1 of 1,614,000 alleles (0.000062%); highest among the groups gnomAD compares: Non-Finnish European, 0.000085%; no homozygotes.

Submissions (3):

PreventionGenetics, part of Exact Sciences
Classification: Uncertain significance for MBD4-related condition. Last evaluated: 2026-04-24. Review status: criteria provided, single submitter. Criteria: ACMG Guidelines, 2015. Collection method: clinical testing. Allele origin: germline.
Comment: The MBD4 c.892G>A variant is predicted to result in the amino acid substitution p.Glu298Lys. To our knowledge, this variant has not been reported in the literature or in a large population database (gnomAD), indicating this variant is rare. At this time, the clinical significance of this variant is uncertain due to the absence of conclusive functional and genetic evidence.

Labcorp Genetics (formerly Invitae), Labcorp
Classification: Uncertain significance. Last evaluated: 2025-05-28. Review status: criteria provided, single submitter. Criteria: Invitae Variant Classification Sherloc (09022015). Collection method: clinical testing. Allele origin: germline.
Comment: This sequence change replaces glutamic acid, which is acidic and polar, with lysine, which is basic and polar, at codon 298 of the MBD4 protein (p.Glu298Lys). This variant is not present in population databases (gnomAD no frequency). This variant has not been reported in the literature in individuals affected with MBD4-related conditions. ClinVar contains an entry for this variant (Variation ID: 3674765). An algorithm developed to predict the effect of missense changes on protein structure and function outputs the following: PolyPhen-2: "Benign". The lysine amino acid residue is found in multiple mammalian species, which suggests that this missense change does not adversely affect protein function. In summary, the available evidence is currently insufficient to determine the role of this variant in disease. Therefore, it has been classified as a Variant of Uncertain Significance.

Ambry Genetics
Classification: Likely benign for Inborn genetic diseases. Last evaluated: 2025-03-24. Review status: criteria provided, single submitter. Criteria: Ambry Variant Classification Scheme 2023. Collection method: clinical testing. Allele origin: germline.

NM_001276270.2(MBD4):c.892G>A (p.Glu298Lys)

Gene: MBD4 (methyl-CpG binding domain 4, DNA glycosylase; minus strand). Cytogenetic location: 3q21.3.
Variant type: single nucleotide variant.
Coding change: c.892G>A on transcript NM_001276270.2 (MANE Select); coding-DNA position 892, G replaced by A.
Protein change: p.Glu298Lys; replaces glutamic acid 298 with lysine.
Molecular consequence: missense variant. On other transcripts: intron variant (1).
Genome position (GRCh38, 1-based): chr3:129,436,752, C>T on the plus strand (G>A on the coding strand, the complement: MBD4 is on the minus strand). VCF-style: chr3-129436752-C-T. GRCh37 (hg19) VCF-style: chr3-129155595-C-T.
Other names: c.892G>A, p.Glu298Lys (NM_001276271.2, NM_001276272.2, NM_003925.3); c.247+1056G>A (NM_001276273.2); c.892G>A (NM_003925.2); short protein forms E298K.
Identifiers: ClinVar variation 3674765 (VCV003674765.4).